The following is an entry in ClinVar:

NM_054027.6(ANKH):c.1142-4A>G

Genes: ANKH (ANKH inorganic pyrophosphate transport regulator; minus strand), OTULIN (OTU deubiquitinase with linear linkage specificity; plus strand), LOC100130744 (uncharacterized LOC100130744; plus strand). Cytogenetic location: 5p15.2.
Variant type: single nucleotide variant.
Coding change: c.1142-4A>G on transcript NM_054027.6 (MANE Select); 4 bases into the intron before coding-DNA position 1142, A replaced by G.
Molecular consequence: intron variant. On other transcripts: non-coding transcript variant (1).
Genome position (GRCh38, 1-based): chr5:14,713,671, T>C on the plus strand (A>G on the coding strand, the complement: ANKH is on the minus strand). VCF-style: chr5-14713671-T-C. GRCh37 (hg19) VCF-style: chr5-14713780-T-C.
Other names: IVS9, A-G, -4.
Identifiers: ClinVar variation 5193 (VCV000005193.13), dbSNP rs1579998709, ClinGen allele CA913184839.

ClinVar aggregate classification (germline): Pathogenic/Likely pathogenic. Review status: criteria provided, multiple submitters, no conflicts (2 of 4 stars). 4 submissions from 4 submitters: Pathogenic (2); Likely pathogenic (1). 1 of the submissions does not count toward it. Last evaluated 2025-06-27.

Conditions:
Craniometaphyseal dysplasia, autosomal dominant (CMDD). Identifiers: Orphanet 1522, MedGen C1852502, MONDO:0007397, OMIM 123000.

Submissions (4):

OLLIN Analises Genomicas, OLLIN
Classification: Pathogenic for Craniometaphyseal dysplasia, autosomal dominant. Last evaluated: 2025-06-27. Review status: criteria provided, single submitter. Criteria: ACMG Guidelines 2015 PMID 25741868. Collection method: clinical testing. Allele origin: germline. Affected: yes. Observed: 1 variant allele.
Comment: The variant located at the non-canonical splicing site (chr5:14713671T>C), situated in intron 9 (of 12 exons) and absent in ClinVar and gnomAD v4.1 non-UKB, is reported in the scientific literature, also segregating with the phenotype in at least 8 individuals from the same family, in patients with craniometaphyseal dysplasia (PMID: 11326338, 11326272, 31130284). In silico analysis, as well as functional studies, suggest that this variant affects splicing and, consequently, protein function (PMID: 11326338). According to the currently available evidence, this variant has been classified as pathogenic (PS3, PS4, PM2_P, PP1_S, PP3, PP4).

Labcorp Genetics (formerly Invitae), Labcorp
Classification: Pathogenic. Last evaluated: 2024-12-16. Review status: criteria provided, single submitter. Criteria: Invitae Variant Classification Sherloc (09022015). Collection method: clinical testing. Allele origin: germline.
Comment: This sequence change falls in intron 9 of the ANKH gene. It does not directly change the encoded amino acid sequence of the ANKH protein. RNA analysis indicates that this variant induces altered splicing and likely results in the gain of 1 amino acid residue(s), but is expected to preserve the integrity of the reading-frame. This variant is not present in population databases (gnomAD no frequency). This variant has been observed in individuals with craniometaphyseal dysplasia (PMID: 11326272, 11326338, 31130284; internal data). It has also been observed to segregate with disease in related individuals. This variant is also known as P380insA. ClinVar contains an entry for this variant (Variation ID: 5193). Studies have shown that this variant results in the activation of a cryptic splice site in intron 9 (PMID: 11326338). For these reasons, this variant has been classified as Pathogenic.

GeneDx
Classification: Likely pathogenic. Last evaluated: 2024-10-16. Review status: criteria provided, single submitter. Criteria: GeneDx Variant Classification Process June 2021. Collection method: clinical testing. Allele origin: germline.
Comment: Identified in patients with clinical features of craniometaphyseal dysplasia referred for genetic testing at GeneDx and in published literature (PMID: 11326272, 31130284, 11326338); Published functional studies suggest that this variant impacts splicing (PMID: 11326338). However additional functional data is needed to confirm the actual effect of this sequence change on splicing.; Not observed at significant frequency in large population cohorts (gnomAD); This variant is associated with the following publications: (PMID: 11326338, 25525159, 31130284, 11326272)

OMIM
Classification: Pathogenic for CRANIOMETAPHYSEAL DYSPLASIA, AUTOSOMAL DOMINANT. Last evaluated: 2001-06-01. Review status: no assertion criteria provided. Collection method: literature only. Allele origin: germline. Not counted in ClinVar's aggregate classification.

Literature cited by the submitters: PubMed 11326338 (cited by 3 submitters); PubMed 11326272 (cited by 3 submitters); PubMed 31130284 (cited by OLLIN Analises Genomicas, OLLIN and Labcorp Genetics (formerly Invitae), Labcorp).